The following is an entry in ClinVar:

NM_001323289.2(CDKL5):c.212A>G (p.Asn71Ser)

Gene: CDKL5 (cyclin dependent kinase like 5; plus strand). Cytogenetic location: Xp22.13.
Variant type: single nucleotide variant.
Coding change: c.212A>G on transcript NM_001323289.2 (MANE Select); coding-DNA position 212, A replaced by G.
Protein change: p.Asn71Ser; replaces asparagine 71 with serine.
Molecular consequence: missense variant.
Genome position (GRCh38, 1-based): chrX:18,575,420, A>G. VCF-style: chrX-18575420-A-G. GRCh37 (hg19) VCF-style: chrX-18593540-A-G.
Other names: p.(Asn71Ser); NM_001323289.2(CDKL5):c.212A>G; p.Asn71Ser; c.212A>G, p.Asn71Ser (NM_001037343.2, NM_003159.3); short protein forms N71S.
Identifiers: ClinVar variation 957648 (VCV000957648.7), dbSNP rs1925264314, ClinGen allele CA412348670.

ClinVar aggregate classification (germline): Uncertain significance. Review status: criteria provided, multiple submitters, no conflicts (2 of 4 stars). 3 submissions from 3 submitters: Uncertain significance (2). 1 of the submissions does not count toward it. Last evaluated 2024-12-16.

Conditions:
Developmental and epileptic encephalopathy, 2 (DEE2). Also called: CDKL5 deficiency disorder; INFANTILE SPASM SYNDROME, X-LINKED 2. Identifiers: Orphanet 1934, Orphanet 3451, Orphanet 505652, MedGen C4750718, MONDO:0010396, OMIM 300672.
CDKL5 disorder. Identifiers: MedGen CN296942, MONDO:0100039.
Angelman syndrome-like. Identifiers: MedGen CN128785.

Submissions (3):

Centre for Population Genomics, CPG
Classification: Uncertain significance for CDKL5 disorder. Last evaluated: 2024-12-16. Review status: criteria provided, single submitter. Criteria: McKnight et al. (Hum Mutat. 2022). Collection method: curation. Allele origin: germline. Inheritance: X-linked inheritance.
Comment: This variant has been collected from RettBASE and curated to current modified ACMG/AMP criteria. Based on the classification scheme defined by the ClinGen Rett/Angelman-like Expert Panel for Rett/AS-like Disorders Specifications to the ACMG/AMP Variant Interpretation Guidelines VCEP 3.0, this variant is classified as variant of uncertain significance. At least the following criteria are met: This variant has been identified as a de novo occurrence in an individual with CDKL5 disorder without confirmation of paternity and maternity (PM6, PMID: 37193389). This variant is absent from gnomAD (PM2_Supporting).

Labcorp Genetics (formerly Invitae), Labcorp
Classification: Uncertain significance for Developmental and epileptic encephalopathy, 2; Angelman syndrome-like. Last evaluated: 2021-08-31. Review status: criteria provided, single submitter. Criteria: Invitae Variant Classification Sherloc (09022015). Collection method: clinical testing. Allele origin: germline.

Pediatrics, MediClubGeorgia
Classification: Likely pathogenic for Developmental and epileptic encephalopathy, 2. Last evaluated: 2022-05-16. Review status: no assertion criteria provided. Collection method: clinical testing. Allele origin: unknown. Inheritance: X-linked dominant inheritance. Affected: yes. Observed: 1 hemizygote. Not counted in ClinVar's aggregate classification.

Literature cited by the submitters: PubMed 31690835 (cited by Pediatrics, MediClubGeorgia).